The following is an entry in ClinVar:

ClinVar aggregate classification (germline): Likely pathogenic (1 of 4 stars; one submission).

Conditions:
Nephrotic syndrome, type 12 (NPHS12). Identifiers: Orphanet 656, MedGen C4225166, MONDO:0014817, OMIM 616892.

gnomAD v4.1: 12 of 1,599,854 alleles (0.00075%); highest among the groups gnomAD compares: Non-Finnish European, 0.00094%; no homozygotes.

Submission:

MVZ Medizinische Genetik Mainz
Classification: Likely pathogenic for Nephrotic syndrome, type 12. Last evaluated: 2026-10-09. Review status: criteria provided, single submitter. Criteria: UK Practice Guidelines For Variant Classification V4 01 2020. Collection method: clinical testing. Allele origin: germline. Inheritance: Autosomal recessive inheritance. Affected: yes. Observed: 1 variant allele.
Comment: ACMG Criteria: PP3_STR,PM5,PM2_SUP,PM3_SUP

NM_014669.5(NUP93):c.1472A>G (p.His491Arg)

Gene: NUP93 (nucleoporin 93; plus strand). Cytogenetic location: 16q13.
Variant type: single nucleotide variant.
Coding change: c.1472A>G on transcript NM_014669.5 (MANE Select); coding-DNA position 1472, A replaced by G.
Protein change: p.His491Arg; replaces histidine 491 with arginine.
Molecular consequence: missense variant.
Genome position (GRCh38, 1-based): chr16:56,833,341, A>G. VCF-style: chr16-56833341-A-G. GRCh37 (hg19) VCF-style: chr16-56867253-A-G.
Other names: c.1103A>G, p.His368Arg (NM_001242795.2, NM_001242796.2); short protein forms H368R, H491R.
Identifiers: ClinVar variation 5038179 (VCV005038179.1).